The following is an entry in ClinVar:

NM_001256545.2(MEGF10):c.788T>C (p.Val263Ala)

Gene: MEGF10 (multiple EGF like domains 10; plus strand). Cytogenetic location: 5q23.2.
Variant type: single nucleotide variant.
Coding change: c.788T>C on transcript NM_001256545.2 (MANE Select); coding-DNA position 788, T replaced by C.
Protein change: p.Val263Ala; replaces valine 263 with alanine.
Molecular consequence: missense variant.
Genome position (GRCh38, 1-based): chr5:127,402,553, T>C. VCF-style: chr5-127402553-T-C. GRCh37 (hg19) VCF-style: chr5-126738245-T-C.
Other names: c.788T>C, p.Val263Ala (NM_001308119.2, NM_001308121.2, NM_032446.3); short protein forms V263A.
Identifiers: ClinVar variation 4752901 (VCV004752901.1).
Genomic context (GRCh38, chr5:127,402,553, plus strand): 5'-TGTCTTTCCCTGGCTGGAGGCCCATCTAATTTTCCAAGTCTCTTTGAATGCAGGGCACAG[T>C]GTGTGGTCAGCCTTGCCCCGAGGGTCGCTTTGGAAAGAACTGTTCCCAAGAATGCCAGTG-3'
Protein context (NP_001243474.1, residues 253-273): CSCPSGWMGT[Val263Ala]CGQPCPEGRF

ClinVar aggregate classification (germline): Uncertain significance (1 of 4 stars; one submission).

Conditions:
MEGF10-related myopathy (CMYO10A). Also called: Congenital myopathy 10A, severe variant. Identifiers: Orphanet 439212, MedGen C3280679, MONDO:0013731, OMIM 614399.

gnomAD v4.1: 1 of 1,613,614 alleles (0.000062%); highest among the groups gnomAD compares: African/African-American, 0.0013%; no homozygotes.

Submission:

Labcorp Genetics (formerly Invitae), Labcorp
Classification: Uncertain significance for MEGF10-related myopathy. Last evaluated: 2025-12-02. Review status: criteria provided, single submitter. Criteria: Invitae Variant Classification Sherloc (09022015). Collection method: clinical testing. Allele origin: germline.
Comment: This sequence change replaces valine, which is neutral and non-polar, with alanine, which is neutral and non-polar, at codon 263 of the MEGF10 protein (p.Val263Ala). This variant is present in population databases (rs766803475, gnomAD 0.007%). This variant has not been reported in the literature in individuals affected with MEGF10-related conditions. Invitae Evidence Modeling of protein sequence and biophysical properties (such as structural, functional, and spatial information, amino acid conservation, physicochemical variation, residue mobility, and thermodynamic stability) indicates that this missense variant is not expected to disrupt MEGF10 protein function with a negative predictive value of 80%. In summary, the available evidence is currently insufficient to determine the role of this variant in disease. Therefore, it has been classified as a Variant of Uncertain Significance.